The following is an entry in ClinVar:

NM_004260.4(RECQL4):c.1690T>C (p.Ser564Pro)

Gene: RECQL4 (RecQ like helicase 4; minus strand). Cytogenetic location: 8q24.3.
Variant type: single nucleotide variant.
Coding change: c.1690T>C on transcript NM_004260.4 (MANE Select); coding-DNA position 1690, T replaced by C.
Protein change: p.Ser564Pro; replaces serine 564 with proline.
Molecular consequence: missense variant. On other transcripts: non-coding transcript variant (3).
Genome position (GRCh38, 1-based): chr8:144,514,456, A>G on the plus strand (T>C on the coding strand, the complement: RECQL4 is on the minus strand). VCF-style: chr8-144514456-A-G. GRCh37 (hg19) VCF-style: chr8-145739840-A-G.
Other names: c.1594T>C, p.Ser532Pro (NM_001413017.1, NM_001413020.1); c.1690T>C, p.Ser564Pro (NM_001413018.1, NM_001413019.1, NM_001413033.1 and 1 more transcripts); c.619T>C, p.Ser207Pro (NM_001413021.1, NM_001413034.1, NM_001413035.1 and 7 more transcripts); c.553T>C, p.Ser185Pro (NM_001413032.1, NM_001413041.1, NM_001413027.1 and 2 more transcripts); c.1660T>C, p.Ser554Pro (NM_001413039.1); c.1561T>C, p.Ser521Pro (NM_001413025.1); c.1339T>C, p.Ser447Pro (NM_001413029.1); c.589T>C, p.Ser197Pro (NM_001413042.1); and 1 more; short protein forms S521P, S532P, S564P, S207P, S75P, S185P, S197P, S447P.
Identifiers: ClinVar variation 4738777 (VCV004738777.1).

ClinVar aggregate classification (germline): Uncertain significance (1 of 4 stars; one submission).

Conditions:
Baller-Gerold syndrome (BGS). Also called: CRANIOSYNOSTOSIS WITH RADIAL DEFECTS. Identifiers: Orphanet 1225, MedGen C0265308, MONDO:0009039, OMIM 218600.

gnomAD v4.1: 1 of 1,612,148 alleles (0.000062%); highest among the groups gnomAD compares: Non-Finnish European, 0.000085%; no homozygotes.

Submission:

Labcorp Genetics (formerly Invitae), Labcorp
Classification: Uncertain significance for Baller-Gerold syndrome. Last evaluated: 2025-07-15. Review status: criteria provided, single submitter. Criteria: Invitae Variant Classification Sherloc (09022015). Collection method: clinical testing. Allele origin: germline.
Comment: This sequence change replaces serine, which is neutral and polar, with proline, which is neutral and non-polar, at codon 564 of the RECQL4 protein (p.Ser564Pro). This variant is not present in population databases (gnomAD no frequency). This variant has not been reported in the literature in individuals affected with RECQL4-related conditions. Invitae Evidence Modeling of protein sequence and biophysical properties (such as structural, functional, and spatial information, amino acid conservation, physicochemical variation, residue mobility, and thermodynamic stability) has been performed for this missense variant. However, the output from this modeling did not meet the statistical confidence thresholds required to predict the impact of this variant on RECQL4 protein function. In summary, the available evidence is currently insufficient to determine the role of this variant in disease. Therefore, it has been classified as a Variant of Uncertain Significance.